The following is an entry in ClinVar:

NM_004380.3(CREBBP):c.1237C>T (p.Arg413Ter)

Gene: CREBBP (CREB binding lysine acetyltransferase; minus strand). Cytogenetic location: 16p13.3.
Variant type: single nucleotide variant.
Coding change: c.1237C>T on transcript NM_004380.3 (MANE Select); coding-DNA position 1237, C replaced by T.
Protein change: p.Arg413Ter; replaces arginine 413 with a stop codon.
Molecular consequence: nonsense. On other transcripts: intron variant (1).
Genome position (GRCh38, 1-based): chr16:3,792,074, G>A on the plus strand (C>T on the coding strand, the complement: CREBBP is on the minus strand). VCF-style: chr16-3792074-G-A. GRCh37 (hg19) VCF-style: chr16-3842075-G-A.
Other names: c.1216+1312C>T (NM_001079846.1); short protein forms R413*.
Identifiers: ClinVar variation 434831 (VCV000434831.11), dbSNP rs1302427305, ClinGen allele CA394560862.
Genomic context (GRCh38, chr16:3,792,074, plus strand): 5'-AAGGGAGGCAAACAGGACAGTCATGTCGTGTGCAGTTCTTCCAATGAGAGATGATTTGTC[G>A]TGAAGATGCACAATGGGCAACTATGACCAGAAAAACAACGAGATGTTATTTTTCTATCCA-3'

ClinVar aggregate classification (germline): Pathogenic. Review status: criteria provided, multiple submitters, no conflicts (2 of 4 stars). 6 submissions from 6 submitters: Pathogenic (5). 1 of the submissions does not count toward it. Last evaluated 2024-10-10.

Conditions:
Menke-Hennekam syndrome 1 (MKHK1). Identifiers: MedGen C5193034, MONDO:0020763, OMIM 618332.
Rubinstein-Taybi syndrome due to CREBBP mutations (RSTS1). Also called: CREBBP-Related Rubinstein-Taybi Syndrome; BROAD THUMBS AND GREAT TOES, CHARACTERISTIC FACIES, AND IMPAIRED INTELLECTUAL DEVELOPMENT; BROAD THUMB-HALLUX SYNDROME; RUBINSTEIN SYNDROME; RUBINSTEIN-TAYBI SYNDROME 1, INCOMPLETE; Rubinstein-Taybi syndrome 1. Identifiers: Orphanet 353277, Orphanet 783, MedGen C4551859, MONDO:0008393, OMIM 180849.

Allele frequency attached by ClinVar (database versions not stated): TOPMed below 0.00001.

Submissions (6):

3billion
Classification: Pathogenic for Menke-Hennekam syndrome 1. Last evaluated: 2024-10-10. Review status: criteria provided, single submitter. Criteria: ACMG Guidelines, 2015. Collection method: clinical testing. Allele origin: germline. Affected: yes.
Comment: The variant is not observed in the gnomAD v4.1.0 dataset. Predicted Consequence/Location: Stop-gained (nonsense): predicted to result in a loss or disruption of normal protein function through nonsense-mediated decay (NMD) or protein truncation. Multiple pathogenic variants are reported downstream of the variant. The variant has been reported at least twice as pathogenic with clinical assertions and evidence for the classification (ClinVar ID: VCV000434831 /PMID: 12070251). Therefore, this variant is classified as Pathogenic according to the recommendation of ACMG/AMP guideline.

Johns Hopkins Genomics, Johns Hopkins University
Classification: Pathogenic for Rubinstein-Taybi syndrome due to CREBBP mutations. Last evaluated: 2022-05-05. Review status: criteria provided, single submitter. Criteria: ACMG Guidelines, 2015. Collection method: clinical testing. Allele origin: germline.
Comment: This CREBBP variant (rs1302427305) is absent from a large population dataset and has been reported in ClinVar. It has been reported in unrelated individuals with RSTS1. This nonsense variant results in a premature termination codon in exon 5 likely leading to nonsense-mediated decay and lack of protein production. We consider c.1237C>T to be pathogenic.

Wessex Regional Genetics Laboratory, Salisbury District Hospital
Classification: Pathogenic for Rubinstein-Taybi syndrome due to CREBBP mutations. Last evaluated: 2019-11-05. Review status: criteria provided, single submitter. Criteria: ACMG Guidelines, 2015. Collection method: clinical testing. Allele origin: unknown. Inheritance: Autosomal dominant inheritance. Affected: yes. Observed: 2 variant alleles.

GeneDx
Classification: Pathogenic. Last evaluated: 2017-01-19. Review status: criteria provided, single submitter. Criteria: GeneDx Variant Classification (06012015). Collection method: clinical testing. Allele origin: germline. Affected: yes.
Comment: The R413X nonsense variant in the CREBBP gene has been reported previously in association with Rubinstein-Taybi syndrome (Coupry et al., 2002; Schorry et al., 2008). The R413X variant was not observed in approximately 6400 individuals of European and African American ancestry in the NHLBI Exome Sequencing Project, indicating it is not a common benign variant in these populations This pathogenic variant is predicted to cause loss of normal protein function either through protein truncation or nonsense-mediated mRNA decay.

Genetic Services Laboratory, University of Chicago
Classification: Pathogenic for Rubinstein-Taybi syndrome. Last evaluated: 2016-02-02. Review status: criteria provided, single submitter. Criteria: ACMG Guidelines, 2015. Collection method: clinical testing. Allele origin: germline. Affected: yes.

Autoinflammatory diseases unit, CHU de Montpellier
Classification: Pathogenic for Rubinstein-Taybi syndrome due to CREBBP mutations. Last evaluated: 2018-02-19. Review status: no assertion criteria provided. Collection method: clinical testing. Allele origin: de novo. Affected: yes. Not counted in ClinVar's aggregate classification.

Literature cited by the submitters: PubMed 12070251 (cited by 3billion and Autoinflammatory diseases unit, CHU de Montpellier); PubMed 17942008 (cited by Johns Hopkins Genomics, Johns Hopkins University); PubMed 18792986 (cited by Johns Hopkins Genomics, Johns Hopkins University); PubMed 31566936 (cited by Johns Hopkins Genomics, Johns Hopkins University); PubMed 15706485 (cited by Autoinflammatory diseases unit, CHU de Montpellier).